The following is an entry in ClinVar:

NM_000095.3(COMP):c.1000_1014del (p.Pro334_Asn338del)

Gene: COMP (cartilage oligomeric matrix protein; minus strand). Cytogenetic location: 19p13.11.
Variant type: Deletion.
Coding change: c.1000_1014del on transcript NM_000095.3 (MANE Select); coding-DNA positions 1000 to 1014, 15 bases deleted (CCAGACCAGCGCAAC).
Protein change: p.Pro334_Asn338del.
Molecular consequence: inframe deletion.
Genome position (GRCh38, 1-based): chr19:18,787,612-18,787,626, GTTGCGCTGGTCTGG deleted on the plus strand (CCAGACCAGCGCAAC on the coding strand, the reverse complement: COMP is on the minus strand); deleting any 15 consecutive bases within chr19:18,787,612-18,787,629 gives the same sequence; the c. name uses the placement nearest the transcript's 3' end. VCF-style (leftmost placement, unchanged base first): chr19-18787611-TGTTGCGCTGGTCTGG-T. GRCh37 (hg19) VCF-style: chr19-18898420-TGTTGCGCTGGTCTGG-T.
Identifiers: ClinVar variation 811449 (VCV000811449.8), dbSNP rs1601055900, ClinGen allele CA915952951.
Genomic context (GRCh38, chr19:18,787,611, plus strand): 5'-GGTCGTCGTTCTTCTGGGACCGGCAGTTGTCGCACGCATCGCCCCACTTGTCCTCGTCCG[TGTTGCGCTGGTCTGG>T]GTTCCGCACCAGCGGGCAGTTGTCCTGGATGACAGGGTGGGTTAAGGGTGAGATCAGGTC-3'

ClinVar aggregate classification (germline): Likely pathogenic (1 of 4 stars; one submission).

Submission:

ARUP Laboratories, Molecular Genetics and Genomics, ARUP Laboratories
Classification: Likely pathogenic. Last evaluated: 2019-06-06. Review status: criteria provided, single submitter. Criteria: ARUP Molecular Germline Variant Investigation Process. Collection method: clinical testing. Allele origin: germline.
Comment: The COMP c.1000_1014del15; p.Pro334_Asn338del variant, to our knowledge, is not reported in the medical literature or gene specific databases. This variant is also absent from general population databases (Exome Variant Server, Genome Aggregation Database), indicating it is not a common polymorphism. This variant deletes five highly conserved amino acid residues in the type III repeat domain, leaving the rest of the protein in-frame. Pathogenic variants in COMP are predominantly located in the type III repeat domain (Briggs 2014), and multiple other in-frame deletions in this domain are reported in the literature in individuals and families affected with pseudoachondroplasia or multiple epiphyseal dysplasia (Ichihashi 2018, Jung 2010, Kennedy 2005). Based on available information, this variant is considered to be likely pathogenic. References: Briggs et al. Genotype to phenotype correlations in cartilage oligomeric matrix protein associated chondrodysplasias. Eur J Hum Genet. 2014 Nov;22(11):1278-82. Ichihashi Y et al. Two novel mutations of COMP in Japanese boys with pseudoachondroplasia. Hum Genome Var. 2018 Jun 8;5:12. Jung WW et al. COMP and Col9A3 mutations and their relationship to the pseudoachondroplasia phenotype. Int J Mol Med. 2010 Dec;26(6):885-91. Kennedy J et al. COMP mutation screening as an aid for the clinical diagnosis and counselling of patients with a suspected diagnosis of pseudoachondroplasia or multiple epiphyseal dysplasia. Eur J Hum Genet. 2005 May;13(5):547-55.